The following is an entry in ClinVar:

ClinVar aggregate classification (germline): Uncertain significance (1 of 4 stars; one submission).

Submission:

Labcorp Genetics (formerly Invitae), Labcorp
Classification: Uncertain significance. Last evaluated: 2025-07-23. Review status: criteria provided, single submitter. Criteria: Invitae Variant Classification Sherloc (09022015). Collection method: clinical testing. Allele origin: germline.
Comment: This sequence change replaces phenylalanine, which is neutral and non-polar, with leucine, which is neutral and non-polar, at codon 785 of the TEK protein (p.Phe785Leu). This variant is not present in population databases (gnomAD no frequency). This variant has not been reported in the literature in individuals affected with TEK-related conditions. Invitae Evidence Modeling of protein sequence and biophysical properties (such as structural, functional, and spatial information, amino acid conservation, physicochemical variation, residue mobility, and thermodynamic stability) indicates that this missense variant is not expected to disrupt TEK protein function with a negative predictive value of 80%. In summary, the available evidence is currently insufficient to determine the role of this variant in disease. Therefore, it has been classified as a Variant of Uncertain Significance.

NM_000459.5(TEK):c.2353T>C (p.Phe785Leu)

Gene: TEK (TEK receptor tyrosine kinase; plus strand). Cytogenetic location: 9p21.2.
Variant type: single nucleotide variant.
Coding change: c.2353T>C on transcript NM_000459.5 (MANE Select); coding-DNA position 2353, T replaced by C.
Protein change: p.Phe785Leu; replaces phenylalanine 785 with leucine.
Molecular consequence: missense variant.
Genome position (GRCh38, 1-based): chr9:27,205,054, T>C. VCF-style: chr9-27205054-T-C. GRCh37 (hg19) VCF-style: chr9-27205052-T-C.
Other names: c.2224T>C, p.Phe742Leu (NM_001290077.2, NM_001375476.1); c.1912T>C, p.Phe638Leu (NM_001290078.2); c.2353T>C, p.Phe785Leu (NM_001375475.1); short protein forms F638L, F785L, F742L.
Identifiers: ClinVar variation 4761579 (VCV004761579.1).